The following is an entry in ClinVar:

ClinVar aggregate classification (germline): Uncertain significance (1 of 4 stars; one submission).

Submission:

Labcorp Genetics (formerly Invitae), Labcorp
Classification: Uncertain significance. Last evaluated: 2022-02-09. Review status: criteria provided, single submitter. Criteria: Invitae Variant Classification Sherloc (09022015). Collection method: clinical testing. Allele origin: germline.
Comment: In summary, the available evidence is currently insufficient to determine the role of this variant in disease. Therefore, it has been classified as a Variant of Uncertain Significance. Algorithms developed to predict the effect of missense changes on protein structure and function are either unavailable or do not agree on the potential impact of this missense change (SIFT: "Deleterious"; PolyPhen-2: "Probably Damaging"; Align-GVGD: "Class C15"). This missense change has been observed in individual(s) with clinical features of retinitis pigmentosa (Invitae). This variant is not present in population databases (gnomAD no frequency). This sequence change replaces glycine, which is neutral and non-polar, with arginine, which is basic and polar, at codon 650 of the SNRNP200 protein (p.Gly650Arg).

NM_014014.5(SNRNP200):c.1948G>C (p.Gly650Arg)

Gene: SNRNP200 (small nuclear ribonucleoprotein U5 subunit 200; minus strand). Cytogenetic location: 2q11.2.
Variant type: single nucleotide variant.
Coding change: c.1948G>C on transcript NM_014014.5 (MANE Select); coding-DNA position 1948, G replaced by C.
Protein change: p.Gly650Arg; replaces glycine 650 with arginine.
Molecular consequence: missense variant.
Genome position (GRCh38, 1-based): chr2:96,293,404, C>G on the plus strand (G>C on the coding strand, the complement: SNRNP200 is on the minus strand). VCF-style: chr2-96293404-C-G. GRCh37 (hg19) VCF-style: chr2-96959142-C-G.
Other names: short protein forms G650R.
Identifiers: ClinVar variation 1346473 (VCV001346473.6), dbSNP rs2104352439, ClinGen allele CA347680180.